The following is an entry in ClinVar:

NM_001453.3(FOXC1):c.1229G>A (p.Gly410Asp)

Gene: FOXC1 (forkhead box C1; plus strand). Cytogenetic location: 6p25.3.
Variant type: single nucleotide variant.
Coding change: c.1229G>A on transcript NM_001453.3 (MANE Select); coding-DNA position 1229, G replaced by A.
Protein change: p.Gly410Asp; replaces glycine 410 with aspartic acid.
Molecular consequence: missense variant.
Genome position (GRCh38, 1-based): chr6:1,611,674, G>A. VCF-style: chr6-1611674-G-A. GRCh37 (hg19) VCF-style: chr6-1611909-G-A.
Other names: short protein forms G410D.
Identifiers: ClinVar variation 4831781 (VCV004831781.1).

ClinVar aggregate classification (germline): Uncertain significance (1 of 4 stars; one submission).

Conditions:
Inborn genetic diseases. Identifiers: MedGen C0950123, MeSH D030342.

Submission:

Ambry Genetics
Classification: Uncertain significance for Inborn genetic diseases. Last evaluated: 2026-03-12. Review status: criteria provided, single submitter. Criteria: Ambry Variant Classification Scheme 2023. Collection method: clinical testing. Allele origin: germline.
Comment: The c.1229G>A (p.G410D) alteration is located in exon 1 (coding exon 1) of the FOXC1 gene. This alteration results from a G to A substitution at nucleotide position 1229, causing the glycine (G) at amino acid position 410 to be replaced by an aspartic acid (D). Based on data from gnomAD, the A allele has an overall frequency of 0.002% (1/47738) total alleles studied. The highest observed frequency was 0.005% (1/19046) of European (non-Finnish) alleles. Based on insufficient or conflicting evidence, the clinical significance of this alteration remains unclear.